The following is an entry in ClinVar:

ClinVar aggregate classification (germline): Benign. Review status: criteria provided, single submitter (1 of 4 stars). 2 submissions from 2 submitters: Benign (1). 1 of the submissions does not count toward it. Last evaluated 2018-12-28.

Conditions:
TOP6BL-related disorder. Also called: TOP6BL-related condition.

Allele frequency attached by ClinVar (database versions not stated): 1000 Genomes Project 0.00200; 1000 Genomes Project 30x 0.00219; ESP Exome Variant Server 0.00355; gnomAD exomes 0.00432; gnomAD 0.00436 and 0.00461; TOPMed 0.00461; ExAC 0.00524.
gnomAD v4.1: 8,052 of 1,556,148 alleles (0.52%); highest among the groups gnomAD compares: Admixed American, 0.63%; 38 homozygotes.

Submissions (2):

Labcorp Genetics (formerly Invitae), Labcorp
Classification: Benign. Last evaluated: 2018-12-28. Review status: criteria provided, single submitter. Criteria: Invitae Variant Classification Sherloc (09022015). Collection method: clinical testing. Allele origin: germline.

PreventionGenetics, part of Exact Sciences
Classification: Likely benign for TOP6BL-related condition. Last evaluated: 2019-04-18. Review status: no assertion criteria provided. Collection method: clinical testing. Allele origin: germline. Not counted in ClinVar's aggregate classification.
Comment: This variant is classified as likely benign based on ACMG/AMP sequence variant interpretation guidelines (Richards et al. 2015 PMID: 25741868, with internal and published modifications).

NM_001302084.2(TOP6BL):c.1348G>A (p.Glu450Lys)

Gene: TOP6BL (TOP6B like initiator of meiotic double strand breaks; plus strand). Cytogenetic location: 11q13.2.
Variant type: single nucleotide variant.
Coding change: c.1348G>A on transcript NM_001302084.2 (MANE Select); coding-DNA position 1348, G replaced by A.
Protein change: p.Glu450Lys; replaces glutamic acid 450 with lysine.
Molecular consequence: missense variant.
Genome position (GRCh38, 1-based): chr11:66,842,947, G>A. VCF-style: chr11-66842947-G-A. GRCh37 (hg19) VCF-style: chr11-66610418-G-A.
Other names: c.1699G>A, p.Glu567Lys (NM_024650.4); short protein forms E450K, E616K, E567K.
Identifiers: ClinVar variation 791631 (VCV000791631.6), dbSNP rs200048907, ClinGen allele CA6130245.